The following is an entry in ClinVar:

NM_013447.4(ADGRE2):c.2352+2T>A

Gene: ADGRE2 (adhesion G protein-coupled receptor E2; minus strand). Cytogenetic location: 19p13.12.
Variant type: single nucleotide variant.
Coding change: c.2352+2T>A on transcript NM_013447.4 (MANE Select); the canonical splice donor site of the intron after coding-DNA position 2352, T replaced by A.
Molecular consequence: splice donor variant.
Genome position (GRCh38, 1-based): chr19:14,743,614, A>T on the plus strand (T>A on the coding strand, the complement: ADGRE2 is on the minus strand). VCF-style: chr19-14743614-A-T. GRCh37 (hg19) VCF-style: chr19-14854426-A-T.
Other names: c.2073+2T>A (NM_152917.2); c.2205+2T>A (NM_152916.2); c.2178+2T>A (NM_001271052.1).
Identifiers: ClinVar variation 2716173 (VCV002716173.3), dbSNP rs1357846898, ClinGen allele CA404451100.

ClinVar aggregate classification (germline): Uncertain significance (1 of 4 stars; one submission).

Allele frequency attached by ClinVar (database versions not stated): gnomAD exomes 0.00001.
gnomAD v4.1: 3 of 1,614,114 alleles (0.00019%); highest among the groups gnomAD compares: Admixed American, 0.0033%; no homozygotes.

Submission:

Labcorp Genetics (formerly Invitae), Labcorp
Classification: Uncertain significance. Last evaluated: 2022-12-13. Review status: criteria provided, single submitter. Criteria: Invitae Variant Classification Sherloc (09022015). Collection method: clinical testing. Allele origin: germline.
Comment: This variant is present in population databases (no rsID available, gnomAD 0.003%). In summary, the available evidence is currently insufficient to determine the role of this variant in disease. Therefore, it has been classified as a Variant of Uncertain Significance. Algorithms developed to predict the effect of sequence changes on RNA splicing suggest that this variant may disrupt the consensus splice site. This variant has not been reported in the literature in individuals affected with ADGRE2-related conditions. This sequence change affects a donor splice site in intron 19 of the ADGRE2 gene. It is expected to disrupt RNA splicing. Variants that disrupt the donor or acceptor splice site typically lead to a loss of protein function (PMID: 16199547), however the current clinical and genetic evidence is not sufficient to establish whether loss-of-function variants in ADGRE2 cause disease.

Literature cited by the submitters: PubMed 16199547.